The following is an entry in ClinVar:

ClinVar aggregate classification (germline): Uncertain significance (1 of 4 stars; one submission).

Submission:

GeneDx
Classification: Uncertain significance. Last evaluated: 2023-05-26. Review status: criteria provided, single submitter. Criteria: GeneDx Variant Classification Process June 2021. Collection method: clinical testing. Allele origin: germline. Affected: yes.
Comment: Not observed at significant frequency in large population cohorts (gnomAD); In silico analysis supports that this missense variant has a deleterious effect on protein structure/function; Has not been previously published as pathogenic or benign to our knowledge

NM_019597.5(HNRNPH2):c.545A>C (p.Glu182Ala)

Genes: HNRNPH2 (heterogeneous nuclear ribonucleoprotein H2; plus strand), RPL36A-HNRNPH2 (RPL36A-HNRNPH2 readthrough; plus strand). Cytogenetic location: Xq22.1.
Variant type: single nucleotide variant.
Coding change: c.545A>C on transcript NM_019597.5 (MANE Select); coding-DNA position 545, A replaced by C.
Protein change: p.Glu182Ala; replaces glutamic acid 182 with alanine.
Molecular consequence: missense variant. On other transcripts: 3 prime UTR variant (2).
Genome position (GRCh38, 1-based): chrX:101,412,533, A>C. VCF-style: chrX-101412533-A-C. GRCh37 (hg19) VCF-style: chrX-100667521-A-C.
Other names: c.*541A>C (NM_001199973.2, NM_001199974.2); c.545A>C, p.Glu182Ala (NM_001032393.3); short protein forms E182A.
Identifiers: ClinVar variation 3362188 (VCV003362188.1).